The following is an entry in ClinVar:

ClinVar aggregate classification (germline): Uncertain significance (1 of 4 stars; one submission).

Allele frequency attached by ClinVar (database versions not stated): ExAC 0.00001; gnomAD 0.00001; gnomAD exomes 0.00001; TOPMed 0.00005.
gnomAD v4.1: 15 of 1,566,256 alleles (0.00096%); highest among the groups gnomAD compares: Admixed American, 0.0079%; no homozygotes.

Submission:

Labcorp Genetics (formerly Invitae), Labcorp
Classification: Uncertain significance. Last evaluated: 2024-01-03. Review status: criteria provided, single submitter. Criteria: Invitae Variant Classification Sherloc (09022015). Collection method: clinical testing. Allele origin: germline.
Comment: This sequence change replaces arginine, which is basic and polar, with glutamine, which is neutral and polar, at codon 64 of the UNC45A protein (p.Arg64Gln). This variant is present in population databases (rs756760878, gnomAD 0.004%). This variant has not been reported in the literature in individuals affected with UNC45A-related conditions. ClinVar contains an entry for this variant (Variation ID: 2055438). Advanced modeling of protein sequence and biophysical properties (such as structural, functional, and spatial information, amino acid conservation, physicochemical variation, residue mobility, and thermodynamic stability) performed at Invitae indicates that this missense variant is expected to disrupt UNC45A protein function with a positive predictive value of 80%. In summary, the available evidence is currently insufficient to determine the role of this variant in disease. Therefore, it has been classified as a Variant of Uncertain Significance.

NM_018671.5(UNC45A):c.191G>A (p.Arg64Gln)

Gene: UNC45A (unc-45 myosin chaperone A; plus strand). Cytogenetic location: 15q26.1.
Variant type: single nucleotide variant.
Coding change: c.191G>A on transcript NM_018671.5 (MANE Select); coding-DNA position 191, G replaced by A.
Protein change: p.Arg64Gln; replaces arginine 64 with glutamine.
Molecular consequence: missense variant. On other transcripts: 5 prime UTR variant (1).
Genome position (GRCh38, 1-based): chr15:90,935,683, G>A. VCF-style: chr15-90935683-G-A. GRCh37 (hg19) VCF-style: chr15-91478913-G-A.
Other names: c.146G>A, p.Arg49Gln (NM_001039675.2, NM_001323621.2); c.191G>A, p.Arg64Gln (NM_001323619.1); c.-393G>A (NM_001323620.2); short protein forms R49Q, R64Q.
Identifiers: ClinVar variation 2055438 (VCV002055438.2), dbSNP rs756760878, ClinGen allele CA7742442.